The following is an entry in ClinVar:

NM_001079855.2(GYG2):c.-49C>T

Gene: GYG2 (glycogenin 2; plus strand). Cytogenetic location: Xp22.33.
Variant type: single nucleotide variant.
Coding change: c.-49C>T on transcript NM_001079855.2 (MANE Select); 49 bases upstream of the start codon, C replaced by T.
Molecular consequence: 5 prime UTR variant.
Genome position (GRCh38, 1-based): chrX:2,830,140, C>T. VCF-style: chrX-2830140-C-T. GRCh37 (hg19) VCF-style: chrX-2748181-C-T.
Other names: c.-49C>T (NM_001184702.2, NM_001184703.2, NM_003918.3); c.-372C>T (NM_001184704.2).
Identifiers: ClinVar variation 516935 (VCV000516935.1), dbSNP rs368700751, ClinGen allele CA10336945.

ClinVar aggregate classification (germline): Likely benign (1 of 4 stars; one submission).

Allele frequency attached by ClinVar (database versions not stated): gnomAD exomes 0.00032 and 0.00070; ExAC 0.00036; TOPMed 0.00045; ESP Exome Variant Server 0.00047; gnomAD 0.00050 and 0.00051.
gnomAD v4.1: 802 of 1,188,678 alleles (0.067%); highest among the groups gnomAD compares: Non-Finnish European, 0.086%; no homozygotes.

Submission:

GeneDx
Classification: Likely benign. Last evaluated: 2018-02-12. Review status: criteria provided, single submitter. Criteria: GeneDx Variant Classification (06012015). Collection method: clinical testing. Allele origin: germline. Affected: yes.
Comment: This variant is considered likely benign or benign based on one or more of the following criteria: it is a conservative change, it occurs at a poorly conserved position in the protein, it is predicted to be benign by multiple in silico algorithms, and/or has population frequency not consistent with disease.